The following is an entry in ClinVar:

NM_001164277.2(SLC37A4):c.964G>A (p.Val322Met)

Gene: SLC37A4 (solute carrier family 37 member 4; minus strand). Cytogenetic location: 11q23.3.
Variant type: single nucleotide variant.
Coding change: c.964G>A on transcript NM_001164277.2 (MANE Select); coding-DNA position 964, G replaced by A.
Protein change: p.Val322Met; replaces valine 322 with methionine.
Molecular consequence: missense variant.
Genome position (GRCh38, 1-based): chr11:119,025,987, C>T on the plus strand (G>A on the coding strand, the complement: SLC37A4 is on the minus strand). VCF-style: chr11-119025987-C-T. GRCh37 (hg19) VCF-style: chr11-118896697-C-T.
Other names: c.964G>A, p.Val322Met (NM_001164278.2, NM_001164280.2, NM_001467.6); c.745G>A, p.Val249Met (NM_001164279.2); short protein forms V249M, V322M.
Identifiers: ClinVar variation 3345342 (VCV003345342.1).

ClinVar aggregate classification (germline): Uncertain significance (0 of 4 stars; one submission).

Conditions:
SLC37A4-related disorder. Also called: SLC37A4-related condition.

Submission:

PreventionGenetics, part of Exact Sciences
Classification: Uncertain significance for SLC37A4-related condition. Last evaluated: 2024-06-15. Review status: no assertion criteria provided. Collection method: clinical testing. Allele origin: germline.
Comment: The SLC37A4 c.964G>A variant is predicted to result in the amino acid substitution p.Val322Met. To our knowledge, this variant has not been reported in the literature or in a large population database, indicating this variant is rare. At this time, the clinical significance of this variant is uncertain due to the absence of conclusive functional and genetic evidence.